The following is an entry in ClinVar:

NM_004369.4(COL6A3):c.5992C>T (p.Arg1998Ter)

Gene: COL6A3 (collagen type VI alpha 3 chain; minus strand). Cytogenetic location: 2q37.3.
Variant type: single nucleotide variant.
Coding change: c.5992C>T on transcript NM_004369.4 (MANE Select); coding-DNA position 5992, C replaced by T.
Protein change: p.Arg1998Ter; replaces arginine 1998 with a stop codon.
Molecular consequence: nonsense.
Genome position (GRCh38, 1-based): chr2:237,363,324, G>A on the plus strand (C>T on the coding strand, the complement: COL6A3 is on the minus strand). VCF-style: chr2-237363324-G-A. GRCh37 (hg19) VCF-style: chr2-238271967-G-A.
Other names: c.4171C>T, p.Arg1391Ter (NM_057166.5); c.5374C>T, p.Arg1792Ter (NM_057167.4); short protein forms R1792*, R1998*, R1391*.
Identifiers: ClinVar variation 2187695 (VCV002187695.7), dbSNP rs750471097, ClinGen allele CA2188507.
Genomic context (GRCh38, chr2:237,363,324, plus strand): 5'-CTAGTTCATAATCCAAGTCCAGCAAGTTAAGCCTCAGGGGCCTGTCATACATAAACCCTC[G>A]CCCAAACTCCAGATGCATTAGCCGCTCCAAGTTGACCACTCGTTCAAGGCCCACCAGGAT-3'

ClinVar aggregate classification (germline): Pathogenic/Likely pathogenic. Review status: criteria provided, multiple submitters, no conflicts (2 of 4 stars). 4 submissions from 4 submitters: Pathogenic (3); Likely pathogenic (1). Last evaluated 2023-04-12.

Conditions:
Dystonia 27 (DYT27). Identifiers: Orphanet 464440, MedGen C4225336, MONDO:0014627, OMIM 616411.
Bethlem myopathy 1A. Also called: MYOPATHY, BENIGN CONGENITAL, WITH CONTRACTURES; Bethlem Muscular Dystrophy; Bethlem myopathy 1. Identifiers: Orphanet 610, MedGen CN029274, MONDO:0024530, OMIM 158810.
Bethlem myopathy 1C (BTHLM1C). Identifiers: MedGen C5935581, MONDO:0958234, OMIM 620726.

Allele frequency attached by ClinVar (database versions not stated): gnomAD exomes below 0.00001; ExAC 0.00001; gnomAD 0.00001; TOPMed 0.00001.
gnomAD v4.1: 7 of 1,613,810 alleles (0.00043%); highest among the groups gnomAD compares: Admixed American, 0.0017%; no homozygotes.

Submissions (4):

GeneDx
Classification: Likely pathogenic. Last evaluated: 2023-04-12. Review status: criteria provided, single submitter. Criteria: GeneDx Variant Classification Process June 2021. Collection method: clinical testing. Allele origin: germline. Affected: yes.
Comment: Nonsense variant predicted to result in protein truncation or nonsense mediated decay in a gene for which loss of function is a known mechanism of disease; Also known as c.5992 C>T p.Arg1998ThrfsX55 due to alternate nomenclature; This variant is associated with the following publications: (PMID: 32065942, 20976770)

Labcorp Genetics (formerly Invitae), Labcorp
Classification: Pathogenic for Bethlem myopathy 1A. Last evaluated: 2022-11-04. Review status: criteria provided, single submitter. Criteria: Invitae Variant Classification Sherloc (09022015). Collection method: clinical testing. Allele origin: germline.
Comment: For these reasons, this variant has been classified as Pathogenic. Algorithms developed to predict the effect of sequence changes on RNA splicing suggest that this variant may create or strengthen a splice site. This premature translational stop signal has been observed in individual(s) with clinical features of autosomal recessive COL6A3-related conditions (PMID: 20976770, 32065942). This variant is present in population databases (rs750471097, gnomAD 0.006%). This sequence change creates a premature translational stop signal (p.Arg1998*) in the COL6A3 gene. It is expected to result in an absent or disrupted protein product. Loss-of-function variants in COL6A3 are known to be pathogenic (PMID: 26004199).

Pittsburgh Clinical Genomics Laboratory, University of Pittsburgh Medical Center
Classification: Pathogenic for Dystonia 27. Last evaluated: 2022-08-19. Review status: criteria provided, single submitter. Criteria: ACMG Guidelines, 2015. Collection method: clinical testing. Allele origin: germline. Inheritance: Autosomal recessive inheritance. Affected: yes.
Comment: This sequence variant is a single nucleotide substitution (C>T) at coding nucleotide 5992 in the COL6A3 gene which changes the Arg1998 codon into an early termition sigl. As it occurs in exon 14 of 44, this variant is predicted to generate a non-functiol allele through the expression of a truncated protein or a loss of COL6A3 expression due to nonsense-mediated decay. This variant has been observed in homozygous state in an individual with neuromuscular disease characterized by torticollis, scoliosis, respiratory complications, and intracellular retention of ColVI protein (PMID: 20976770). This variant is present in 4/282820 alleles (0.001%) in the gnomAD control population dataset. Given the data, we consider this variant to be pathogenic. ACMG Criteria: PM2, PM3, PVS1

Clinical Genetics Service, Universitary Hospital 12 de Octubre
Classification: Pathogenic for Bethlem myopathy 1C. Review status: criteria provided, single submitter. Criteria: ACMG Guidelines, 2015. Collection method: clinical testing. Allele origin: germline. Affected: yes.

Literature cited by the submitters: PubMed 20976770 (cited by Labcorp Genetics (formerly Invitae), Labcorp and Pittsburgh Clinical Genomics Laboratory, University of Pittsburgh Medical Center); PubMed 32065942 (cited by Labcorp Genetics (formerly Invitae), Labcorp); PubMed 26004199 (cited by Labcorp Genetics (formerly Invitae), Labcorp).